The following is an entry in ClinVar:

ClinVar aggregate classification (germline): Pathogenic (1 of 4 stars; one submission).

Conditions:
Familial thoracic aortic aneurysm and aortic dissection (TAAD). Also called: Thoracic aortic aneurysms and dissections. Identifiers: Orphanet 91387, MedGen C4707243, MONDO:0019625.

Submission:

Labcorp Genetics (formerly Invitae), Labcorp
Classification: Pathogenic for Familial thoracic aortic aneurysm and aortic dissection. Last evaluated: 2024-09-08. Review status: criteria provided, single submitter. Criteria: Invitae Variant Classification Sherloc (09022015). Collection method: clinical testing. Allele origin: germline.
Comment: This sequence change replaces glutamic acid, which is acidic and polar, with lysine, which is basic and polar, at codon 428 of the TGFBR2 protein (p.Glu428Lys). This variant is not present in population databases (gnomAD no frequency). This missense change has been observed in individual(s) with clinical features of Loeys-Dietz syndrome (internal data). In at least one individual the variant was observed to be de novo. Invitae Evidence Modeling of protein sequence and biophysical properties (such as structural, functional, and spatial information, amino acid conservation, physicochemical variation, residue mobility, and thermodynamic stability) indicates that this missense variant is expected to disrupt TGFBR2 protein function with a positive predictive value of 95%. For these reasons, this variant has been classified as Pathogenic.

NM_003242.6(TGFBR2):c.1282G>A (p.Glu428Lys)

Gene: TGFBR2 (transforming growth factor beta receptor 2; plus strand). Cytogenetic location: 3p24.1.
Variant type: single nucleotide variant.
Coding change: c.1282G>A on transcript NM_003242.6 (MANE Select); coding-DNA position 1282, G replaced by A.
Protein change: p.Glu428Lys; replaces glutamic acid 428 with lysine.
Molecular consequence: missense variant. On other transcripts: intron variant (1).
Genome position (GRCh38, 1-based): chr3:30,674,132, G>A. VCF-style: chr3-30674132-G-A. GRCh37 (hg19) VCF-style: chr3-30715624-G-A.
Other names: c.1357G>A, p.Glu453Lys (NM_001024847.3); c.1465G>A, p.Glu489Lys (NM_001407126.1); c.1390G>A, p.Glu464Lys (NM_001407127.1); c.1309G>A, p.Glu437Lys (NM_001407128.1); c.1285G>A, p.Glu429Lys (NM_001407129.1); c.1282G>A, p.Glu428Lys (NM_001407130.1); c.1177G>A, p.Glu393Lys (NM_001407132.1, NM_001407133.1, NM_001407134.1 and 2 more transcripts); c.997G>A, p.Glu333Lys (NM_001407137.1); and 2 more; short protein forms E428K, E393K, E429K, E489K, E333K, E453K, E308K, E437K.
Identifiers: ClinVar variation 3635619 (VCV003635619.2).